The following is an entry in ClinVar:

ClinVar aggregate classification (germline): Uncertain significance (1 of 4 stars; one submission).

Submission:

GeneDx
Classification: Uncertain significance. Last evaluated: 2025-06-12. Review status: criteria provided, single submitter. Criteria: GeneDx Variant Classification Process June 2021. Collection method: clinical testing. Allele origin: germline. Affected: yes.
Comment: Not observed at significant frequency in large population cohorts (gnomAD); In silico analysis supports that this missense variant has a deleterious effect on protein structure/function; Has not been previously published as pathogenic or benign to our knowledge

NM_078480.3(PUF60):c.1129C>G (p.Pro377Ala)

Gene: PUF60 (poly(U) binding splicing factor 60; minus strand). Cytogenetic location: 8q24.3.
Variant type: single nucleotide variant.
Coding change: c.1129C>G on transcript NM_078480.3 (MANE Select); coding-DNA position 1129, C replaced by G.
Protein change: p.Pro377Ala; replaces proline 377 with alanine.
Molecular consequence: missense variant.
Genome position (GRCh38, 1-based): chr8:143,817,346, G>C on the plus strand (C>G on the coding strand, the complement: PUF60 is on the minus strand). VCF-style: chr8-143817346-G-C. GRCh37 (hg19) VCF-style: chr8-144899516-G-C.
Other names: c.1000C>G, p.Pro334Ala (NM_001136033.3); c.1075C>G, p.Pro359Ala (NM_001271096.2); c.991C>G, p.Pro331Ala (NM_001271097.2); c.1126C>G, p.Pro376Ala (NM_001271098.2); c.1042C>G, p.Pro348Ala (NM_001271099.2); c.949C>G, p.Pro317Ala (NM_001271100.2); c.1240C>G, p.Pro414Ala (NM_001362895.2, NM_001362896.2); c.1189C>G, p.Pro397Ala (NM_001362897.2); and 1 more; short protein forms P317A, P331A, P334A, P348A, P359A, P360A, P376A, P377A.
Identifiers: ClinVar variation 4537779 (VCV004537779.1).